The following is an entry in ClinVar:

ClinVar aggregate classification (germline): Pathogenic. Review status: criteria provided, multiple submitters, no conflicts (2 of 4 stars). 4 submissions from 4 submitters: Pathogenic (4). Last evaluated 2023-08-01.

Conditions:
Cardiac arrhythmia. Also called: Arrhythmia; Cardiac rhythm disease. Identifiers: MedGen C0003811, MONDO:0007263, HP:0011675.
Long QT syndrome 1 (LQT1). Identifiers: Orphanet 101016, Orphanet 768, MedGen C4551647, MONDO:0100316, OMIM 192500, MONDO:0008646.
Long QT syndrome (LQTS). Identifiers: MedGen C0023976, MeSH D008133, MONDO:0002442. Disease mechanism: loss of function. Inheritance: Various modes of inheritance.
Cardiovascular phenotype. Identifiers: MedGen CN230736.

Submissions (4):

Molecular Genetics Laboratory - Cardiogenetics, CHU de Nantes
Classification: Pathogenic for Long QT syndrome 1. Last evaluated: 2023-08-01. Review status: criteria provided, single submitter. Criteria: ACMG Guidelines, 2015. Collection method: clinical testing. Allele origin: germline. Affected: yes.

Labcorp Genetics (formerly Invitae), Labcorp
Classification: Pathogenic for Long QT syndrome. Last evaluated: 2023-05-25. Review status: criteria provided, single submitter. Criteria: Invitae Variant Classification Sherloc (09022015). Collection method: clinical testing. Allele origin: germline.
Comment: For these reasons, this variant has been classified as Pathogenic. ClinVar contains an entry for this variant (Variation ID: 52977). This premature translational stop signal has been observed in individual(s) with long QT syndrome (PMID: 10024302). The frequency data for this variant in the population databases is considered unreliable, as metrics indicate poor data quality at this position in the gnomAD database. This sequence change creates a premature translational stop signal (p.Pro448Glnfs*18) in the KCNQ1 gene. It is expected to result in an absent or disrupted protein product. Loss-of-function variants in KCNQ1 are known to be pathogenic (PMID: 9323054, 19862833).

Ambry Genetics
Classification: Pathogenic for Cardiovascular phenotype. Last evaluated: 2021-12-16. Review status: criteria provided, single submitter. Criteria: Ambry Variant Classification Scheme 2023. Collection method: clinical testing. Allele origin: germline.
Comment: The c.1343delC pathogenic mutation, located in coding exon 10 of the KCNQ1 gene, results from a deletion of one nucleotide at nucleotide position 1343, causing a translational frameshift with a predicted alternate stop codon (p.P448Qfs*18). This mutation has been reported in association with long QT syndrome (Neyroud N et al. Circ Res, 1999 Feb;84:290-7; Walsh R et al. Genet Med, 2021 01;23:47-58). This alteration is expected to result in loss of function by premature protein truncation or nonsense-mediated mRNA decay. As such, this alteration is interpreted as a disease-causing mutation.

GeneDx
Classification: Pathogenic for Cardiac arrhythmia. Last evaluated: 2013-09-25. Review status: criteria provided, single submitter. Criteria: GeneDx Variant Classification (06012015). Collection method: clinical testing. Allele origin: germline. Affected: yes.
Comment: The c.1343delC mutation in the KCNQ1 gene has been reported in association with LQTS (Neyroud N et al., 1999). Neyroud et al. identified c.1343delC in two affected individuals with LQTS from one family. This mutation causes a shift in reading frame starting at codon Proline 448, changing it to a Glutamine, and creating a premature stop codon at position 18 of the new reading frame, denoted p.Pro448GlnfsX18. This mutation is expected to result in either an abnormal, truncated protein product or loss of protein from this allele through nonsense-mediated mRNA decay. Other frameshift mutations in the KCNQ1 gene have been reported in association with LQTS. Finally, the c.1343delC mutation was not observed in approximately 6,500 individuals of European and African American ancestry in the NHLBI Exome Sequencing Project, indicating it is not a common benign variant in these populations. The variant is found in LQT panel(s).

Literature cited by the submitters: PubMed 10024302 (cited by Labcorp Genetics (formerly Invitae), Labcorp and Ambry Genetics); PubMed 9323054 (cited by Labcorp Genetics (formerly Invitae), Labcorp); PubMed 19862833 (cited by Labcorp Genetics (formerly Invitae), Labcorp); PubMed 32893267 (cited by Ambry Genetics).

NM_000218.3(KCNQ1):c.1343del (p.Pro448fs)

Gene: KCNQ1 (potassium voltage-gated channel subfamily Q member 1; plus strand). Cytogenetic location: 11p15.5.
Variant type: Deletion.
Coding change: c.1343del on transcript NM_000218.3 (MANE Select); coding-DNA position 1343, one base deleted (C; older notation c.1343delC).
Protein change: p.Pro448fs; shifts the reading frame from proline 448.
Molecular consequence: frameshift variant.
Genome position (GRCh38, 1-based): chr11:2,588,804, C deleted; the last of 6 consecutive C bases (chr11:2,588,799-2,588,804); deleting any one gives the same sequence. VCF-style (leftmost placement, unchanged base first): chr11-2588798-AC-A. GRCh37 (hg19) VCF-style: chr11-2610028-AC-A.
Other names: c.1247delC, p.Pro416Glnfs (NM_001406836.1); c.1073delC, p.Pro358Glnfs (NM_001406837.1); c.803delC, p.Pro268Glnfs (NM_001406838.1); c.962delC, p.Pro321Glnfs (NM_181798.2); short protein forms P448fs, P321fs.
Identifiers: ClinVar variation 52977 (VCV000052977.16), dbSNP rs397508087, ClinGen allele CA005637.